The following is an entry in ClinVar:

NM_000038.6(APC):c.7419T>A (p.Ser2473=)

Gene: APC (APC regulator of Wnt signaling pathway; plus strand). Cytogenetic location: 5q22.2.
Variant type: single nucleotide variant.
Coding change: c.7419T>A on transcript NM_000038.6 (MANE Select); coding-DNA position 7419, T replaced by A.
Protein change: p.Ser2473=; no amino-acid change (serine 2473 retained).
Molecular consequence: synonymous variant.
Genome position (GRCh38, 1-based): chr5:112,843,013, T>A. VCF-style: chr5-112843013-T-A. GRCh37 (hg19) VCF-style: chr5-112178710-T-A.
Other names: c.7419T>A, p.Ser2473= (NM_001127510.3, NM_001354895.2); c.7365T>A, p.Ser2455= (NM_001127511.3); c.7473T>A, p.Ser2491= (NM_001354896.2); c.7449T>A, p.Ser2483= (NM_001354897.2); c.7344T>A, p.Ser2448= (NM_001354898.2); c.7335T>A, p.Ser2445= (NM_001354899.2); c.7296T>A, p.Ser2432= (NM_001354900.2); c.7242T>A, p.Ser2414= (NM_001354901.2); and 5 more.
Identifiers: ClinVar variation 486739 (VCV000486739.58), dbSNP rs1035582477, ClinGen allele CA125167819.
Genomic context (GRCh38, chr5:112,843,013, plus strand): 5'-AAGAAAATTGGAGGAATCTGCTTCATTTGAATCTCTTTCTCCATCATCTAGACCAGCTTC[T>A]CCCACTAGGTCCCAGGCACAAACTCCAGTTTTAAGTCCTTCCCTTCCTGATATGTCTCTA-3'
Protein context (NP_000029.2, residues 2463-2483): ESLSPSSRPA[Ser2473=]PTRSQAQTPV

ClinVar aggregate classification (germline): Benign/Likely benign. Review status: criteria provided, multiple submitters, no conflicts (2 of 4 stars). 4 submissions from 4 submitters: Benign (1); Likely benign (3). Last evaluated 2025-12-12.

Conditions:
Hereditary cancer-predisposing syndrome. Also called: Tumor predisposition; Hereditary Cancer Syndrome; Hereditary neoplastic syndrome; Neoplastic Syndromes, Hereditary. Identifiers: Orphanet 140162, MedGen C0027672, MeSH D009386, MONDO:0015356.
Familial adenomatous polyposis 1 (FAP1). Also called: FAMILIAL ADENOMATOUS POLYPOSIS 1, ATTENUATED; POLYPOSIS, ADENOMATOUS INTESTINAL. Identifiers: MedGen C2713442, MONDO:0021056, OMIM 175100. Disease mechanism: loss of function.

gnomAD v4.1: 1 of 1,613,944 alleles (0.000062%); no homozygotes.

Submissions (4):

Labcorp Genetics (formerly Invitae), Labcorp
Classification: Likely benign for Familial adenomatous polyposis 1. Last evaluated: 2025-12-12. Review status: criteria provided, single submitter. Criteria: Invitae Variant Classification Sherloc (09022015). Collection method: clinical testing. Allele origin: germline.

Myriad Genetics, Inc.
Classification: Benign for Familial adenomatous polyposis 1. Last evaluated: 2024-04-09. Review status: criteria provided, single submitter. Criteria: Myriad Autosomal Dominant, Autosomal Recessive and X-Linked Classification Criteria (2023). Collection method: clinical testing. Allele origin: unknown.
Comment: This variant is considered benign. This variant is a silent/synonymous amino acid change and it is not expected to impact splicing.

Color Diagnostics, LLC DBA Color Health
Classification: Likely benign for Hereditary cancer-predisposing syndrome. Last evaluated: 2017-05-19. Review status: criteria provided, single submitter. Criteria: ACMG Guidelines, 2015. Collection method: clinical testing. Allele origin: germline.

Ambry Genetics
Classification: Likely benign for Hereditary cancer-predisposing syndrome. Last evaluated: 2015-11-25. Review status: criteria provided, single submitter. Criteria: Ambry Variant Classification Scheme 2023. Collection method: clinical testing. Allele origin: germline.